The following is an entry in ClinVar:

NM_198578.4(LRRK2):c.4319C>T (p.Ala1440Val)

Gene: LRRK2 (leucine rich repeat kinase 2; plus strand). Cytogenetic location: 12q12.
Variant type: single nucleotide variant.
Coding change: c.4319C>T on transcript NM_198578.4 (MANE Select); coding-DNA position 4319, C replaced by T.
Protein change: p.Ala1440Val; replaces alanine 1440 with valine.
Molecular consequence: missense variant.
Genome position (GRCh38, 1-based): chr12:40,310,432, C>T. VCF-style: chr12-40310432-C-T. GRCh37 (hg19) VCF-style: chr12-40704234-C-T.
Other names: short protein forms A1440V.
Identifiers: ClinVar variation 1739676 (VCV001739676.4), dbSNP rs2499826595, ClinGen allele CA384418263.

ClinVar aggregate classification (germline): Uncertain significance. Review status: criteria provided, multiple submitters, no conflicts (2 of 4 stars). 2 submissions from 2 submitters: Uncertain significance (2). Last evaluated 2024-08-08.

Conditions:
Inborn genetic diseases. Identifiers: MedGen C0950123, MeSH D030342.

Allele frequency attached by ClinVar (database versions not stated): gnomAD exomes below 0.00001.
gnomAD v4.1: 6 of 1,612,994 alleles (0.00037%); highest among the groups gnomAD compares: Non-Finnish European, 0.00042%; no homozygotes.

Submissions (2):

GeneDx
Classification: Uncertain significance. Last evaluated: 2024-08-08. Review status: criteria provided, single submitter. Criteria: GeneDx Variant Classification Process June 2021. Collection method: clinical testing. Allele origin: germline. Affected: yes.
Comment: Not observed at significant frequency in large population cohorts (gnomAD); In silico analysis supports that this missense variant has a deleterious effect on protein structure/function; Has not been previously published as pathogenic or benign to our knowledge

Ambry Genetics
Classification: Uncertain significance for Inborn genetic diseases. Last evaluated: 2024-05-26. Review status: criteria provided, single submitter. Criteria: Ambry Variant Classification Scheme 2023. Collection method: clinical testing. Allele origin: germline.
Comment: The p.A1440V variant (also known as c.4319C>T), located in coding exon 31 of the LRRK2 gene, results from a C to T substitution at nucleotide position 4319. The alanine at codon 1440 is replaced by valine, an amino acid with similar properties. This amino acid position is conserved. In addition, this alteration is predicted to be deleterious by in silico analysis. Since supporting evidence is limited at this time, the clinical significance of this alteration remains unclear.